The following is an entry in ClinVar:

NC_000017.10:g.(?_15162401)_(15162523_?)del

Gene: PMP22 (peripheral myelin protein 22; minus strand). Cytogenetic location: 17p12.
Variant type: Deletion.
Identifiers: ClinVar variation 1454853 (VCV001454853.4).

ClinVar aggregate classification (germline): Pathogenic (1 of 4 stars; one submission).

Conditions:
Charcot-Marie-Tooth disease, type I (CMT1). Also called: Charcot-Marie-Tooth, Type 1; Charcot-Marie-Tooth disease type 1. Identifiers: Orphanet 65753, MedGen C0751036, MONDO:0019011.

Submission:

Labcorp Genetics (formerly Invitae), Labcorp
Classification: Pathogenic for Charcot-Marie-Tooth disease, type I. Last evaluated: 2020-12-03. Review status: criteria provided, single submitter. Criteria: Invitae Variant Classification Sherloc (09022015). Collection method: clinical testing. Allele origin: germline.
Comment: For these reasons, this variant has been classified as Pathogenic. A similar copy number variant has been observed in individual(s) with PMP22-related conditions (PMID:19543269). This variant is a gross deletion of the genomic region encompassing exon(s) 3 of the PMP22 gene. This deletion is out-of-frame, and is expected to create a premature translational stop signal and result in an absent or disrupted protein product. Loss-of-function variants in PMP22 are known to be pathogenic (PMID: 23224996).

Literature cited by the submitters: PubMed 19543269; PubMed 23224996.